The following is an entry in ClinVar:

NM_005633.4(SOS1):c.2437G>A (p.Asp813Asn)

Gene: SOS1 (SOS Ras/Rac guanine nucleotide exchange factor 1; minus strand). Cytogenetic location: 2p22.1.
Variant type: single nucleotide variant.
Coding change: c.2437G>A on transcript NM_005633.4 (MANE Select); coding-DNA position 2437, G replaced by A.
Protein change: p.Asp813Asn; replaces aspartic acid 813 with asparagine.
Molecular consequence: missense variant.
Genome position (GRCh38, 1-based): chr2:39,010,657, C>T on the plus strand (G>A on the coding strand, the complement: SOS1 is on the minus strand). VCF-style: chr2-39010657-C-T. GRCh37 (hg19) VCF-style: chr2-39237798-C-T.
Other names: c.2416G>A, p.Asp806Asn (NM_001382394.1); c.2437G>A, p.Asp813Asn (NM_001382395.1); short protein forms D806N, D813N.
Identifiers: ClinVar variation 3339860 (VCV003339860.2).

ClinVar aggregate classification (germline): Uncertain significance. Review status: criteria provided, multiple submitters, no conflicts (2 of 4 stars). 2 submissions from 2 submitters: Uncertain significance (2). Last evaluated 2025-05-19.

Conditions:
RASopathy. Also called: Noonan spectrum disorder; rasopathies. Identifiers: Orphanet 536391, MedGen C5555857, MONDO:0021060.

gnomAD v4.1: 1 of 1,608,132 alleles (0.000062%); highest among the groups gnomAD compares: Admixed American, 0.0017%; no homozygotes.

Submissions (2):

Labcorp Genetics (formerly Invitae), Labcorp
Classification: Uncertain significance for RASopathy. Last evaluated: 2025-05-19. Review status: criteria provided, single submitter. Criteria: Invitae Variant Classification Sherloc (09022015). Collection method: clinical testing. Allele origin: germline.
Comment: This sequence change replaces aspartic acid, which is acidic and polar, with asparagine, which is neutral and polar, at codon 813 of the SOS1 protein (p.Asp813Asn). This variant is not present in population databases (gnomAD no frequency). This variant has not been reported in the literature in individuals affected with SOS1-related conditions. ClinVar contains an entry for this variant (Variation ID: 3339860). Invitae Evidence Modeling of protein sequence and biophysical properties (such as structural, functional, and spatial information, amino acid conservation, physicochemical variation, residue mobility, and thermodynamic stability) has been performed for this missense variant. However, the output from this modeling did not meet the statistical confidence thresholds required to predict the impact of this variant on SOS1 protein function. In summary, the available evidence is currently insufficient to determine the role of this variant in disease. Therefore, it has been classified as a Variant of Uncertain Significance.

Women's Health and Genetics/Laboratory Corporation of America, LabCorp
Classification: Uncertain significance. Last evaluated: 2024-06-24. Review status: criteria provided, single submitter. Criteria: LabCorp Variant Classification Summary - May 2015. Collection method: clinical testing. Allele origin: germline.